The following is an entry in ClinVar:

ClinVar aggregate classification (germline): Likely benign. Review status: criteria provided, single submitter (1 of 4 stars). 2 submissions from 2 submitters: Likely benign (1). 1 of the submissions does not count toward it. Last evaluated 2022-06-27.

Conditions:
FAH-related disorder. Also called: FAH-related condition.
Tyrosinemia type I (TYRSN1). Also called: HEPATORENAL TYROSINEMIA; Tyrosinemia type 1; Fumarylacetoacetase deficiency; FAH DEFICIENCY; Deficiency of fumarylacetoacetase. Identifiers: Orphanet 882, MedGen C0268490, MONDO:0010161, OMIM 276700. Disease mechanism: loss of function.

Allele frequency attached by ClinVar (database versions not stated): gnomAD 0.00001.
gnomAD v4.1: 2 of 1,613,610 alleles (0.00012%); highest among the groups gnomAD compares: Admixed American, 0.0017%; no homozygotes.

Submissions (2):

Labcorp Genetics (formerly Invitae), Labcorp
Classification: Likely benign for Tyrosinemia type I. Last evaluated: 2022-06-27. Review status: criteria provided, single submitter. Criteria: Invitae Variant Classification Sherloc (09022015). Collection method: clinical testing. Allele origin: germline.

PreventionGenetics, part of Exact Sciences
Classification: Likely benign for FAH-related condition. Last evaluated: 2022-01-28. Review status: no assertion criteria provided. Collection method: clinical testing. Allele origin: germline. Not counted in ClinVar's aggregate classification.
Comment: This variant is classified as likely benign based on ACMG/AMP sequence variant interpretation guidelines (Richards et al. 2015 PMID: 25741868, with internal and published modifications).

NM_000137.4(FAH):c.838-10G>T

Gene: FAH (fumarylacetoacetate hydrolase; plus strand). Cytogenetic location: 15q25.1.
Variant type: single nucleotide variant.
Coding change: c.838-10G>T on transcript NM_000137.4 (MANE Select); 10 bases into the intron before coding-DNA position 838, G replaced by T.
Molecular consequence: intron variant.
Genome position (GRCh38, 1-based): chr15:80,175,006, G>T. VCF-style: chr15-80175006-G-T. GRCh37 (hg19) VCF-style: chr15-80467348-G-T.
Other names: c.838-10G>T (NM_000137.2, NM_001374377.1, NM_001374380.1).
Identifiers: ClinVar variation 2090744 (VCV002090744.6), dbSNP rs759821435, ClinGen allele CA7691370.